The following is an entry in ClinVar:

NM_001145809.2(MYH14):c.995G>T (p.Cys332Phe)

Gene: MYH14 (myosin heavy chain 14; plus strand). Cytogenetic location: 19q13.33.
Variant type: single nucleotide variant.
Coding change: c.995G>T on transcript NM_001145809.2 (MANE Select); coding-DNA position 995, G replaced by T.
Protein change: p.Cys332Phe; replaces cysteine 332 with phenylalanine.
Molecular consequence: missense variant.
Genome position (GRCh38, 1-based): chr19:50,231,951, G>T. VCF-style: chr19-50231951-G-T. GRCh37 (hg19) VCF-style: chr19-50735208-G-T.
Other names: c.995G>T, p.Cys332Phe (NM_001077186.2); c.971G>T, p.Cys324Phe (NM_024729.4); short protein forms C324F, C332F.
Identifiers: ClinVar variation 4535663 (VCV004535663.1).

ClinVar aggregate classification (germline): Uncertain significance (1 of 4 stars; one submission).

gnomAD v4.1: 4 of 1,613,942 alleles (0.00025%); highest among the groups gnomAD compares: Non-Finnish European, 0.00034%; no homozygotes.

Submission:

Women's Health and Genetics/Laboratory Corporation of America, LabCorp
Classification: Uncertain significance. Last evaluated: 2025-09-08. Review status: criteria provided, single submitter. Criteria: LabCorp Variant Classification Summary - May 2015. Collection method: clinical testing. Allele origin: germline.
Comment: Variant summary: MYH14 c.971G>T (p.Cys324Phe) results in a non-conservative amino acid change in the encoded protein sequence. Algorithms developed to predict the effect of missense changes on protein structure and function are either unavailable or do not agree on the potential impact of this missense change. The variant was absent in 248970 control chromosomes. The available data on variant occurrences in the general population are insufficient to allow any conclusion about variant significance. To our knowledge, no occurrence of c.971G>T in individuals affected with MYH14-related conditions and no experimental evidence demonstrating its impact on protein function have been reported. No submitters have cited clinical-significance assessments for this variant to ClinVar. Based on the evidence outlined above, the variant was classified as uncertain significance.